The following is an entry in ClinVar:

ClinVar aggregate classification (germline): Likely pathogenic (1 of 4 stars; one submission).

Conditions:
Retinitis pigmentosa 62 (RP62). Identifiers: Orphanet 791, MedGen C3280042, MONDO:0013611, OMIM 614181.

Submission:

Ocular Genomics Institute, Massachusetts Eye and Ear
Classification: Likely pathogenic for Retinitis pigmentosa 62. Last evaluated: 2021-04-08. Review status: criteria provided, single submitter. Criteria: ACMG Guidelines, 2015. Collection method: research. Allele origin: germline. Affected: yes.
Comment: Through a review of available evidence we were able to apply the following criteria: PM2, PVS1. Based on this evidence we have classified this variant as Likely Pathogenic.

NM_001242957.3(MAK):c.1143+2_1143+3del

Gene: MAK (male germ cell associated kinase; minus strand). Cytogenetic location: 6p24.2.
Variant type: Microsatellite.
Coding change: c.1143+2_1143+3del on transcript NM_001242957.3 (MANE Select); the canonical splice donor site of the intron after coding-DNA position 1143 through 3 bases into the intron after coding-DNA position 1143, 2 bases deleted (TG; older notation c.1143+2_1143+3delTG).
Molecular consequence: splice donor variant.
Genome position (GRCh38, 1-based): chr6:10,795,995-10,795,996, CA deleted on the plus strand (TG on the coding strand, the reverse complement: MAK is on the minus strand); deleting any 2 consecutive bases within chr6:10,795,995-10,795,998 gives the same sequence; the c. name uses the placement nearest the transcript's 3' end. VCF-style (leftmost placement, unchanged base first): chr6-10795994-TCA-T. GRCh37 (hg19) VCF-style: chr6-10796227-TCA-T.
Other names: c.1041+2_1041+3del (NM_001377262.1); c.1143+2_1143+3del (NM_005906.6, NM_001242385.2).
Identifiers: ClinVar variation 1065773 (VCV001065773.2), dbSNP rs2127548040, ClinGen allele CA2580614834.